The following is an entry in ClinVar:

NM_024422.6(DSC2):c.1240G>A (p.Glu414Lys)

Gene: DSC2 (desmocollin 2; minus strand). Cytogenetic location: 18q12.1.
Variant type: single nucleotide variant.
Coding change: c.1240G>A on transcript NM_024422.6 (MANE Select); coding-DNA position 1240, G replaced by A.
Protein change: p.Glu414Lys; replaces glutamic acid 414 with lysine.
Molecular consequence: missense variant.
Genome position (GRCh38, 1-based): chr18:31,082,261, C>T on the plus strand (G>A on the coding strand, the complement: DSC2 is on the minus strand). VCF-style: chr18-31082261-C-T. GRCh37 (hg19) VCF-style: chr18-28662227-C-T.
Other names: c.811G>A, p.Glu271Lys (NM_001406506.1, NM_001406507.1); c.1240G>A, p.Glu414Lys (NM_004949.5); short protein forms E271K, E414K.
Identifiers: ClinVar variation 4742958 (VCV004742958.1).

ClinVar aggregate classification (germline): Uncertain significance (1 of 4 stars; one submission).

Conditions:
Arrhythmogenic right ventricular dysplasia 11. Also called: ARRHYTHMOGENIC RIGHT VENTRICULAR DYSPLASIA, FAMILIAL, 11; Arrhythmogenic Right Ventricular Dysplasia/Cardiomyopathy11; Arrhythmogenic right ventricular dysplasia 11 with mild palmoplantar keratoderma and woolly hair. Identifiers: MedGen C1864850, MONDO:0012506, OMIM 610476.

Submission:

Labcorp Genetics (formerly Invitae), Labcorp
Classification: Uncertain significance for Arrhythmogenic right ventricular dysplasia 11. Last evaluated: 2025-04-18. Review status: criteria provided, single submitter. Criteria: Invitae Variant Classification Sherloc (09022015). Collection method: clinical testing. Allele origin: germline.
Comment: This sequence change replaces glutamic acid, which is acidic and polar, with lysine, which is basic and polar, at codon 414 of the DSC2 protein (p.Glu414Lys). This variant is not present in population databases (gnomAD no frequency). This variant has not been reported in the literature in individuals affected with DSC2-related conditions. Invitae Evidence Modeling of protein sequence and biophysical properties (such as structural, functional, and spatial information, amino acid conservation, physicochemical variation, residue mobility, and thermodynamic stability) indicates that this missense variant is expected to disrupt DSC2 protein function with a positive predictive value of 80%. In summary, the available evidence is currently insufficient to determine the role of this variant in disease. Therefore, it has been classified as a Variant of Uncertain Significance.